The following is an entry in ClinVar:

NM_177550.5(SLC13A5):c.1006G>A (p.Gly336Ser)

Gene: SLC13A5 (solute carrier family 13 member 5; minus strand). Cytogenetic location: 17p13.1.
Variant type: single nucleotide variant.
Coding change: c.1006G>A on transcript NM_177550.5 (MANE Select); coding-DNA position 1006, G replaced by A.
Protein change: p.Gly336Ser; replaces glycine 336 with serine.
Molecular consequence: missense variant.
Genome position (GRCh38, 1-based): chr17:6,695,775, C>T on the plus strand (G>A on the coding strand, the complement: SLC13A5 is on the minus strand). VCF-style: chr17-6695775-C-T. GRCh37 (hg19) VCF-style: chr17-6599094-C-T.
Other names: c.1006G>A, p.Gly336Ser (NM_001143838.3); c.955G>A, p.Gly319Ser (NM_001284509.2); c.877G>A, p.Gly293Ser (NM_001284510.2); short protein forms G293S, G336S, G319S.
Identifiers: ClinVar variation 646494 (VCV000646494.8), dbSNP rs1187250417, ClinGen allele CA397743863.

ClinVar aggregate classification (germline): Uncertain significance. Review status: criteria provided, multiple submitters, no conflicts (2 of 4 stars). 3 submissions from 3 submitters: Uncertain significance (3). Last evaluated 2024-06-07.

Conditions:
Developmental and epileptic encephalopathy, 25 (DEE25). Also called: Epileptic encephalopathy, early infantile, 25; Developmental and epileptic encephalopathy 25, with amelogenesis imperfecta; Epileptic encephalopathy, early infantile, 25, with amelogenesis imperfecta. Identifiers: Orphanet 442835, MedGen C4014621, MONDO:0014392, OMIM 615905.

Allele frequency attached by ClinVar (database versions not stated): gnomAD exomes 0.00001; TOPMed 0.00002; gnomAD 0.00003 and 0.00004.
gnomAD v4.1: 17 of 1,614,056 alleles (0.0011%); highest among the groups gnomAD compares: Admixed American, 0.01%; no homozygotes.

Submissions (3):

Blueprint Genetics
Classification: Uncertain significance. Last evaluated: 2024-06-07. Review status: criteria provided, single submitter. Criteria: ACMG Guidelines, 2015. Collection method: clinical testing. Allele origin: germline.

ARUP Laboratories, Molecular Genetics and Genomics, ARUP Laboratories
Classification: Uncertain significance for Developmental and epileptic encephalopathy, 25. Last evaluated: 2023-10-17. Review status: criteria provided, single submitter. Criteria: ARUP Molecular Germline Variant Investigation Process 2024. Collection method: clinical testing. Allele origin: germline.
Comment: Due to limited information, including a lack of clinical and/or functional data and an uninformative population frequency, the clinical significance of this variant is uncertain at this time.

Labcorp Genetics (formerly Invitae), Labcorp
Classification: Uncertain significance for Developmental and epileptic encephalopathy, 25. Last evaluated: 2022-02-04. Review status: criteria provided, single submitter. Criteria: Invitae Variant Classification Sherloc (09022015). Collection method: clinical testing. Allele origin: germline.
Comment: This sequence change replaces glycine, which is neutral and non-polar, with serine, which is neutral and polar, at codon 336 of the SLC13A5 protein (p.Gly336Ser). This variant is present in population databases (no rsID available, gnomAD 0.006%). This variant has not been reported in the literature in individuals affected with SLC13A5-related conditions. ClinVar contains an entry for this variant (Variation ID: 646494). Algorithms developed to predict the effect of missense changes on protein structure and function are either unavailable or do not agree on the potential impact of this missense change (SIFT: "Tolerated"; PolyPhen-2: "Possibly Damaging"; Align-GVGD: "Class C0"). In summary, the available evidence is currently insufficient to determine the role of this variant in disease. Therefore, it has been classified as a Variant of Uncertain Significance.